The following is an entry in ClinVar:

ClinVar aggregate classification (germline): Likely benign. Review status: reviewed by expert panel (3 of 4 stars). 3 submissions from 3 submitters: Likely benign (1). 2 of the submissions do not count toward it. Last evaluated 2022-02-11.

Conditions:
Megalencephaly-polymicrogyria-polydactyly-hydrocephalus syndrome 2 (MPPH2). Also called: MEGALENCEPHALY-POLYMICROGYRIA-POLYDACTYLY-HYDROCEPHALUS SYNDROME 2, SOMATIC. Identifiers: Orphanet 83473, MedGen C4014738, MONDO:0014407, OMIM 615937.
Overgrowth syndrome and/or cerebral malformations due to abnormalities in MTOR pathway genes. Identifiers: MedGen CN300503, MONDO:0100283.
Inborn genetic diseases. Identifiers: MedGen C0950123, MeSH D030342.

Allele frequency attached by ClinVar (database versions not stated): TOPMed 0.00004; gnomAD exomes 0.00005 and 0.00010; ExAC 0.00007; gnomAD 0.00007 and 0.00008.
gnomAD v4.1: 93 of 1,613,714 alleles (0.0058%); highest among the groups gnomAD compares: Non-Finnish European, 0.00076%; no homozygotes.

Submissions (3):

ClinGen Brain Malformations Variant Curation Expert Panel
Classification: Likely benign for Overgrowth syndrome and/or cerebral malformations due to abnormalities in MTOR pathway genes. Last evaluated: 2022-02-11. Review status: reviewed by expert panel. Criteria: ClinGen BrainMalform ACMG Specifications v1. Collection method: curation. Allele origin: germline. Inheritance: Autosomal dominant inheritance.
Comment: The c.1082A>G (NM_005465.7) variant in AKT3 is a missense variant predicted to cause substitution of (p.Glu361Gly). The highest population minor allele frequency in gnomAD v2.1.1 is 0.001929 in the Ashkenazi Jewish population, which is higher than the ClinGen BMEP threshold (>=0.00185) for BA1, and therefore meets this criterion (BA1). AKT3, in which the variant was identified, is defined by the ClinGen Brain Malformations Expert Panel as a gene that has a low rate of benign missense variation and where pathogenic missense variants are a common mechanism of disease (PP2). This variant resides within the catalytic kinase domain of AKT3 which is defined as a critical functional domain by the ClinGen BMEP (PMID: 28969385) (PM1_Supporting). In summary, this variant meets the criteria to be classified as Likely Benign for mosaic autosomal dominant overgrowth with or without cerebral malformations due to abnormalities in MTOR-pathway genes based on the ACMG/AMP criteria applied, as specified by the ClinGen Brain Malformations Expert Panel: BA1, PP2, PM1_P; -6 points (VCEP specifications version 1; Approved: 1/31/2021)

Labcorp Genetics (formerly Invitae), Labcorp
Classification: Likely benign for Megalencephaly-polymicrogyria-polydactyly-hydrocephalus syndrome 2. Last evaluated: 2025-12-03. Review status: criteria provided, single submitter. Criteria: Invitae Variant Classification Sherloc (09022015). Collection method: clinical testing. Allele origin: germline. Not counted in ClinVar's aggregate classification.

Ambry Genetics
Classification: Likely benign for Inborn genetic diseases. Last evaluated: 2022-10-07. Review status: criteria provided, single submitter. Criteria: Ambry Variant Classification Scheme 2023. Collection method: clinical testing. Allele origin: germline. Not counted in ClinVar's aggregate classification.

NM_005465.7(AKT3):c.1082A>G (p.Glu361Gly)

Gene: AKT3 (AKT serine/threonine kinase 3; minus strand). Cytogenetic location: 1q44.
Variant type: single nucleotide variant.
Coding change: c.1082A>G on transcript NM_005465.7 (MANE Select); coding-DNA position 1082, A replaced by G.
Protein change: p.Glu361Gly; replaces glutamic acid 361 with glycine.
Molecular consequence: missense variant.
Genome position (GRCh38, 1-based): chr1:243,552,810, T>C on the plus strand (A>G on the coding strand, the complement: AKT3 is on the minus strand). VCF-style: chr1-243552810-T-C. GRCh37 (hg19) VCF-style: chr1-243716112-T-C.
Other names: NM_005465.5:c.1082A>G; c.1082A>G (NM_005465.4); c.1082A>G, p.Glu361Gly (NM_001206729.2, NM_001370074.1, NM_181690.2); short protein forms E361G.
Identifiers: ClinVar variation 1296988 (VCV001296988.13), dbSNP rs760280114, ClinGen allele CA1483974.